The following is an entry in ClinVar:

NM_024675.4(PALB2):c.3374A>C (p.Asp1125Ala)

Gene: PALB2 (partner and localizer of BRCA2; minus strand). Cytogenetic location: 16p12.2.
Variant type: single nucleotide variant.
Coding change: c.3374A>C on transcript NM_024675.4 (MANE Select); coding-DNA position 3374, A replaced by C.
Protein change: p.Asp1125Ala; replaces aspartic acid 1125 with alanine.
Molecular consequence: missense variant. On other transcripts: 3 prime UTR variant (5).
Genome position (GRCh38, 1-based): chr16:23,603,646, T>G on the plus strand (A>C on the coding strand, the complement: PALB2 is on the minus strand). VCF-style: chr16-23603646-T-G. GRCh37 (hg19) VCF-style: chr16-23614967-T-G.
Other names: c.3314A>C, p.Asp1105Ala (NM_001407296.1); c.3302A>C, p.Asp1101Ala (NM_001407297.1); c.3212A>C, p.Asp1071Ala (NM_001407298.1); c.3137A>C, p.Asp1046Ala (NM_001407299.1); c.3095A>C, p.Asp1032Ala (NM_001407300.1); c.*9A>C (NM_001407301.1, NM_001407302.1, NM_001407310.1 and 2 more transcripts); c.2489A>C, p.Asp830Ala (NM_001407304.1, NM_001407305.1, NM_001407306.1); c.2327A>C, p.Asp776Ala (NM_001407307.1); and 3 more; short protein forms D1032A, D1046A, D1071A, D529A, D1105A, D303A, D830A, D1101A.
Identifiers: ClinVar variation 3413505 (VCV003413505.1).

ClinVar aggregate classification (germline): Uncertain significance (1 of 4 stars; one submission).

Conditions:
Hereditary cancer-predisposing syndrome. Also called: Neoplastic Syndromes, Hereditary; Tumor predisposition; Hereditary Cancer Syndrome; Hereditary neoplastic syndrome. Identifiers: Orphanet 140162, MedGen C0027672, MeSH D009386, MONDO:0015356.

Submission:

Ambry Genetics
Classification: Uncertain significance for Hereditary cancer-predisposing syndrome. Last evaluated: 2024-12-02. Review status: criteria provided, single submitter. Criteria: Ambry Variant Classification Scheme 2023. Collection method: clinical testing. Allele origin: germline.
Comment: The p.D1125A variant (also known as c.3374A>C), located in coding exon 13 of the PALB2 gene, results from an A to C substitution at nucleotide position 3374. The aspartic acid at codon 1125 is replaced by alanine, an amino acid with dissimilar properties. This amino acid position is conserved. In addition, this alteration is predicted to be tolerated by in silico analysis. Based on the available evidence, the clinical significance of this variant remains unclear.